The following is an entry in ClinVar:

ClinVar aggregate classification (germline): Uncertain significance (1 of 4 stars; one submission).

Submission:

Ambry Genetics
Classification: Uncertain significance. Last evaluated: 2025-10-12. Review status: criteria provided, single submitter. Criteria: Ambry Variant Classification Scheme 2023. Collection method: clinical testing. Allele origin: germline.
Comment: The p.Q763H variant (also known as c.2289G>C), located in coding exon 8 of the RNF43 gene, results from a G to C substitution at nucleotide position 2289. The glutamine at codon 763 is replaced by histidine, an amino acid with highly similar properties. This amino acid position is conserved. In addition, this alteration is predicted to be tolerated by in silico analysis. Based on the available evidence, the clinical significance of this variant remains unclear.

NM_017763.6(RNF43):c.2289G>C (p.Gln763His)

Gene: RNF43 (ring finger protein 43; minus strand). Cytogenetic location: 17q22.
Variant type: single nucleotide variant.
Coding change: c.2289G>C on transcript NM_017763.6 (MANE Select); coding-DNA position 2289, G replaced by C.
Protein change: p.Gln763His; replaces glutamine 763 with histidine.
Molecular consequence: missense variant.
Genome position (GRCh38, 1-based): chr17:58,357,487, C>G on the plus strand (G>C on the coding strand, the complement: RNF43 is on the minus strand). VCF-style: chr17-58357487-C-G. GRCh37 (hg19) VCF-style: chr17-56434848-C-G.
Other names: c.2289G>C, p.Gln763His (NM_001305544.3, NM_001438820.1, NM_001438821.1 and 1 more transcripts); c.1908G>C, p.Gln636His (NM_001305545.2, NM_001437987.1); short protein forms Q763H, Q636H.
Identifiers: ClinVar variation 4578960 (VCV004578960.1).